The following is an entry in ClinVar:

ClinVar aggregate classification (germline): Uncertain significance. Review status: criteria provided, multiple submitters, no conflicts (2 of 4 stars). 3 submissions from 3 submitters: Uncertain significance (2). 1 of the submissions does not count toward it. Last evaluated 2021-10-08.

Conditions:
GATA binding protein 1 related thrombocytopenia with dyserythropoiesis. Also called: GATA1-Related X-Linked Cytopenia; GATA1-Related Cytopenia. Identifiers: MedGen C1845837, MONDO:0100089.
Diamond-Blackfan anemia. Also called: Blackfan Diamond syndrome; Aregenerative anemia chronic congenital; Red cell aplasia, pure hereditary; Congenital hypoplastic anemia; Aase syndrome. Identifiers: Orphanet 124, MedGen C1260899, MeSH D029503, MONDO:0015253, HP:0004810.
Hemolytic anemia due to erythrocyte adenosine deaminase overproduction (CNSHA9). Also called: Adenosine deaminase, elevated, hemolytic anemia due to; ERYTHROCYTE ADA, ELEVATED, HEMOLYTIC ANEMIA DUE TO; ANEMIA, CONGENITAL, NONSPHEROCYTIC HEMOLYTIC, 9. Identifiers: Orphanet 99138, MedGen C1863235, MONDO:0020458, OMIM 301083.

Submissions (3):

Labcorp Genetics (formerly Invitae), Labcorp
Classification: Uncertain significance for GATA binding protein 1 related thrombocytopenia with dyserythropoiesis; Diamond-Blackfan anemia. Last evaluated: 2021-10-08. Review status: criteria provided, single submitter. Criteria: Invitae Variant Classification Sherloc (09022015). Collection method: clinical testing. Allele origin: germline.
Comment: ClinVar contains an entry for this variant (Variation ID: 373400). Algorithms developed to predict the effect of missense changes on protein structure and function are either unavailable or do not agree on the potential impact of this missense change (SIFT: "Deleterious"; PolyPhen-2: "Probably Damaging"; Align-GVGD: "Class C15"). In summary, the available evidence is currently insufficient to determine the role of this variant in disease. Therefore, it has been classified as a Variant of Uncertain Significance. This variant has not been reported in the literature in individuals affected with GATA1-related conditions. This sequence change replaces arginine with cysteine at codon 307 of the GATA1 protein (p.Arg307Cys). The arginine residue is highly conserved and there is a large physicochemical difference between arginine and cysteine. This variant is not present in population databases (ExAC no frequency).

GeneDx
Classification: Uncertain significance. Last evaluated: 2016-11-28. Review status: criteria provided, single submitter. Criteria: GeneDx Variant Classification (06012015). Collection method: clinical testing. Allele origin: germline. Affected: yes.
Comment: The R307C variant in the GATA1 gene has not been reported previously as a pathogenic variant, nor as a benign variant, to our knowledge. The R307C variant was not observed in approximately 6500 individuals of European and African American ancestry in the NHLBI Exome Sequencing Project, indicating it is not a common benign variant in these populations. The R307C variant is a non-conservative amino acid substitution, which is likely to impact secondary protein structure as these residues differ in polarity, charge, size and/or other properties. This substitution occurs at a position that is conserved across species. In silico analysis predicts this variant is probably damaging to the protein structure/function. We interpret R307C as a variant of uncertain significance.

OMIM
Classification: Pathogenic for ANEMIA, CONGENITAL, NONSPHEROCYTIC HEMOLYTIC, 9. Last evaluated: 2024-10-11. Review status: no assertion criteria provided. Collection method: literature only. Allele origin: germline. Not counted in ClinVar's aggregate classification.

Literature cited by the submitters: PubMed 35030251 (cited by OMIM).

NM_002049.4(GATA1):c.919C>T (p.Arg307Cys)

Gene: GATA1 (GATA binding protein 1; plus strand). Cytogenetic location: Xp11.23.
Variant type: single nucleotide variant.
Coding change: c.919C>T on transcript NM_002049.4 (MANE Select); coding-DNA position 919, C replaced by T.
Protein change: p.Arg307Cys; replaces arginine 307 with cysteine.
Molecular consequence: missense variant.
Genome position (GRCh38, 1-based): chrX:48,793,841, C>T. VCF-style: chrX-48793841-C-T. GRCh37 (hg19) VCF-style: chrX-48652248-C-T.
Other names: short protein forms R307C.
Identifiers: ClinVar variation 373400 (VCV000373400.9), dbSNP rs1057518396, ClinGen allele CA16043284.